The following is an entry in ClinVar:

ClinVar aggregate classification (germline): Uncertain significance (1 of 4 stars; one submission).

Conditions:
Pyridoxal phosphate-responsive seizures (PNPOD). Also called: EPILEPTIC ENCEPHALOPATHY, NEONATAL, PNPO-RELATED; SEIZURES, PYRIDOXINE-RESISTANT, PLP-SENSITIVE; Pyridoxamine 5-Prime-Phosphate Oxidase Deficiency; Pyridoxine-5'-phosphate oxidase deficiency; Pyridoxal 5'-Phosphate (PLP)-Dependent Epilepsy. Identifiers: Orphanet 79096, MedGen C1864723, MONDO:0012407, OMIM 610090. Disease mechanism: loss of function.

Allele frequency attached by ClinVar (database versions not stated): gnomAD exomes below 0.00001; TOPMed below 0.00001; gnomAD 0.00001.
gnomAD v4.1: 5 of 1,567,562 alleles (0.00032%); highest among the groups gnomAD compares: Non-Finnish European, 0.00043%; no homozygotes.

Submission:

Labcorp Genetics (formerly Invitae), Labcorp
Classification: Uncertain significance for Pyridoxal phosphate-responsive seizures. Last evaluated: 2025-01-06. Review status: criteria provided, single submitter. Criteria: Invitae Variant Classification Sherloc (09022015). Collection method: clinical testing. Allele origin: germline.
Comment: This sequence change replaces aspartic acid, which is acidic and polar, with histidine, which is basic and polar, at codon 44 of the PNPO protein (p.Asp44His). This variant is present in population databases (no rsID available, gnomAD 0.007%). This variant has not been reported in the literature in individuals affected with PNPO-related conditions. ClinVar contains an entry for this variant (Variation ID: 2420000). An algorithm developed to predict the effect of missense changes on protein structure and function (PolyPhen-2) suggests that this variant is likely to be disruptive. In summary, the available evidence is currently insufficient to determine the role of this variant in disease. Therefore, it has been classified as a Variant of Uncertain Significance.

NM_018129.4(PNPO):c.130G>C (p.Asp44His)

Gene: PNPO (pyridoxamine 5'-phosphate oxidase; plus strand). Cytogenetic location: 17q21.32.
Variant type: single nucleotide variant.
Coding change: c.130G>C on transcript NM_018129.4 (MANE Select); coding-DNA position 130, G replaced by C.
Protein change: p.Asp44His; replaces aspartic acid 44 with histidine.
Molecular consequence: missense variant.
Genome position (GRCh38, 1-based): chr17:47,941,805, G>C. VCF-style: chr17-47941805-G-C. GRCh37 (hg19) VCF-style: chr17-46019171-G-C.
Other names: short protein forms D44H.
Identifiers: ClinVar variation 2420000 (VCV002420000.5), dbSNP rs866218000, ClinGen allele CA400055168.